The following is an entry in ClinVar:

ClinVar aggregate classification (germline): Pathogenic (1 of 4 stars; one submission).

Submission:

Labcorp Genetics (formerly Invitae), Labcorp
Classification: Pathogenic. Last evaluated: 2022-07-22. Review status: criteria provided, single submitter. Criteria: Invitae Variant Classification Sherloc (09022015). Collection method: clinical testing. Allele origin: germline.
Comment: For these reasons, this variant has been classified as Pathogenic. This variant has not been reported in the literature in individuals affected with DMXL2-related conditions. The frequency data for this variant in the population databases is considered unreliable, as metrics indicate poor data quality at this position in the gnomAD database. This sequence change creates a premature translational stop signal (p.Leu109*) in the DMXL2 gene. It is expected to result in an absent or disrupted protein product. Loss-of-function variants in DMXL2 are known to be pathogenic (PMID: 30237576, 31688942).

Literature cited by the submitters: PubMed 30237576; PubMed 31688942.

NM_001378457.1(DMXL2):c.326del (p.Phe108_Leu109insTer)

Gene: DMXL2 (Dmx like 2; minus strand). Cytogenetic location: 15q21.2.
Variant type: Deletion.
Coding change: c.326del on transcript NM_001378457.1 (MANE Select); coding-DNA position 326, one base deleted (T; older notation c.326delT).
Protein change: p.Phe108_Leu109insTer.
Molecular consequence: nonsense. On other transcripts: non-coding transcript variant (2).
Genome position (GRCh38, 1-based): chr15:51,565,126, A deleted on the plus strand (T on the coding strand, the reverse complement: DMXL2 is on the minus strand); the first of 8 consecutive A bases (chr15:51,565,126-51,565,133); deleting any one gives the same sequence. VCF-style (leftmost placement, unchanged base first): chr15-51565125-CA-C. GRCh37 (hg19) VCF-style: chr15-51857322-CA-C.
Other names: c.326del, p.Phe108_Leu109insTer (NM_001174116.3, NM_001174117.3, NM_001378458.1 and 7 more transcripts).
Identifiers: ClinVar variation 2018934 (VCV002018934.4), dbSNP rs752363479, ClinGen allele CA7562861.
Genomic context (GRCh38, chr15:51,565,125, plus strand): 5'-TTTTAAATACAATTGCTAAATACCTTGAGGATCCCATGCTAAGTTGTATGTCACAGAACT[CA>C]AAAAAAACTGCCCAGTTTTAAGCCACTGGCACTTGAGTTGCTGAAATACGTAGACAAAAA-3'